The following is an entry in ClinVar:

ClinVar aggregate classification (germline): Uncertain significance (1 of 4 stars; one submission).

Submission:

Ambry Genetics
Classification: Uncertain significance. Last evaluated: 2023-12-04. Review status: criteria provided, single submitter. Criteria: Ambry Variant Classification Scheme 2023. Collection method: clinical testing. Allele origin: germline.
Comment: The p.A705S variant (also known as c.2113G>T), located in coding exon 18 of the BUB1 gene, results from a G to T substitution at nucleotide position 2113. The alanine at codon 705 is replaced by serine, an amino acid with similar properties. This amino acid position is conserved. In addition, this alteration is predicted to be tolerated by in silico analysis. Since supporting evidence is limited at this time, the clinical significance of this alteration remains unclear.

NM_004336.5(BUB1):c.2113G>T (p.Ala705Ser)

Gene: BUB1 (BUB1 mitotic checkpoint serine/threonine kinase; minus strand). Cytogenetic location: 2q13.
Variant type: single nucleotide variant.
Coding change: c.2113G>T on transcript NM_004336.5 (MANE Select); coding-DNA position 2113, G replaced by T.
Protein change: p.Ala705Ser; replaces alanine 705 with serine.
Molecular consequence: missense variant.
Genome position (GRCh38, 1-based): chr2:110,650,636, C>A on the plus strand (G>T on the coding strand, the complement: BUB1 is on the minus strand). VCF-style: chr2-110650636-C-A. GRCh37 (hg19) VCF-style: chr2-111408213-C-A.
Other names: c.2053G>T, p.Ala685Ser (NM_001278616.2); c.2113G>T, p.Ala705Ser (NM_001278617.2); short protein forms A685S, A705S.
Identifiers: ClinVar variation 3224032 (VCV003224032.1), dbSNP rs745421465, ClinGen allele CA348209870.